The following is an entry in ClinVar:

ClinVar aggregate classification (germline): Pathogenic (1 of 4 stars; one submission).

Conditions:
Hereditary cancer-predisposing syndrome. Also called: Neoplastic Syndromes, Hereditary; Tumor predisposition; Hereditary neoplastic syndrome; Hereditary Cancer Syndrome. Identifiers: Orphanet 140162, MedGen C0027672, MeSH D009386, MONDO:0015356.

Submission:

Ambry Genetics
Classification: Pathogenic for Hereditary cancer-predisposing syndrome. Last evaluated: 2023-10-30. Review status: criteria provided, single submitter. Criteria: Ambry Variant Classification Scheme 2023. Collection method: clinical testing. Allele origin: germline.
Comment: The c.6574dupA pathogenic mutation, located in coding exon 10 of the BRCA2 gene, results from a duplication of A at nucleotide position 6574, causing a translational frameshift with a predicted alternate stop codon (p.M2192Nfs*5). This variant is considered to be rare based on population cohorts in the Genome Aggregation Database (gnomAD). This alteration is expected to result in loss of function by premature protein truncation or nonsense-mediated mRNA decay. As such, this alteration is interpreted as a disease-causing mutation.

NM_000059.4(BRCA2):c.6574dup (p.Met2192fs)

Gene: BRCA2 (BRCA2 DNA repair associated; plus strand). Cytogenetic location: 13q13.1.
Variant type: Duplication.
Coding change: c.6574dup on transcript NM_000059.4 (MANE Select); coding-DNA position 6574, one base duplicated (A; older notation c.6574dupA).
Protein change: p.Met2192fs; shifts the reading frame from methionine 2192.
Molecular consequence: frameshift variant. On other transcripts: non-coding transcript variant (1), intron variant (2).
Genome position (GRCh38, 1-based): chr13:32,340,929, A duplicated; the last of 5 consecutive A bases (chr13:32,340,925-32,340,929); duplicating any one gives the same sequence. VCF-style (leftmost placement, unchanged base first): chr13-32340924-T-TA. GRCh37 (hg19) VCF-style: chr13-32915061-T-TA.
Other names: c.6574dup, p.Met2192fs (NM_001406719.1, NM_001406720.1); c.1910-3629dup (NM_001406721.1); c.425-3629dup (NM_001406722.1); c.6574dupA (NM_000059.3); short protein forms M2192fs.
Identifiers: ClinVar variation 3228031 (VCV003228031.1), dbSNP rs1060502392, ClinGen allele CA2825002114.